The following is an entry in ClinVar:

ClinVar aggregate classification (germline): Uncertain significance (1 of 4 stars; one submission).

Conditions:
Inborn genetic diseases. Identifiers: MedGen C0950123, MeSH D030342.

Submission:

Ambry Genetics
Classification: Uncertain significance for Inborn genetic diseases. Last evaluated: 2025-11-11. Review status: criteria provided, single submitter. Criteria: Ambry Variant Classification Scheme 2023. Collection method: clinical testing. Allele origin: germline.
Comment: The p.L403F variant (also known as c.1207C>T), located in coding exon 7 of the FANCM gene, results from a C to T substitution at nucleotide position 1207. The leucine at codon 403 is replaced by phenylalanine, an amino acid with highly similar properties. This amino acid position is conserved. In addition, this alteration is predicted to be tolerated by in silico analysis. Based on the available evidence, the clinical significance of this variant remains unclear.

NM_020937.4(FANCM):c.1207C>T (p.Leu403Phe)

Gene: FANCM (FA complementation group M; plus strand). Cytogenetic location: 14q21.2.
Variant type: single nucleotide variant.
Coding change: c.1207C>T on transcript NM_020937.4 (MANE Select); coding-DNA position 1207, C replaced by T.
Protein change: p.Leu403Phe; replaces leucine 403 with phenylalanine.
Molecular consequence: missense variant.
Genome position (GRCh38, 1-based): chr14:45,154,720, C>T. VCF-style: chr14-45154720-C-T. GRCh37 (hg19) VCF-style: chr14-45623923-C-T.
Other names: c.1129C>T, p.Leu377Phe (NM_001308133.2); c.1207C>T, p.Leu403Phe (NM_001308134.2); short protein forms L403F, L377F.
Identifiers: ClinVar variation 4619579 (VCV004619579.1).